The following is an entry in ClinVar:

ClinVar aggregate classification (germline): Likely benign (0 of 4 stars; one submission).

Conditions:
MVD-related disorder. Also called: MVD-related condition.

Allele frequency attached by ClinVar (database versions not stated): gnomAD 0.00008; 1000 Genomes Project 30x 0.00016; 1000 Genomes Project 0.00020.
gnomAD v4.1: 150 of 1,553,442 alleles (0.0097%); highest among the groups gnomAD compares: Non-Finnish European, 0.012%; no homozygotes.

Submission:

PreventionGenetics, part of Exact Sciences
Classification: Likely benign for MVD-related condition. Last evaluated: 2020-11-23. Review status: no assertion criteria provided. Collection method: clinical testing. Allele origin: germline.
Comment: This variant is classified as likely benign based on ACMG/AMP sequence variant interpretation guidelines (Richards et al. 2015 PMID: 25741868, with internal and published modifications).

NM_002461.3(MVD):c.604-9C>T

Gene: MVD (mevalonate diphosphate decarboxylase; minus strand). Cytogenetic location: 16q24.2.
Variant type: single nucleotide variant.
Coding change: c.604-9C>T on transcript NM_002461.3 (MANE Select); 9 bases into the intron before coding-DNA position 604, C replaced by T.
Molecular consequence: intron variant.
Genome position (GRCh38, 1-based): chr16:88,655,739, G>A on the plus strand (C>T on the coding strand, the complement: MVD is on the minus strand). VCF-style: chr16-88655739-G-A. GRCh37 (hg19) VCF-style: chr16-88722147-G-A.
Identifiers: ClinVar variation 3047638 (VCV003047638.2), dbSNP rs201322709, ClinGen allele CA8228821.